The following is an entry in ClinVar:

NM_001378189.1(CFAP57):c.1978G>A (p.Gly660Ser)

Genes: CFAP57 (cilia and flagella associated protein 57; plus strand), EBNA1BP2 (EBNA1 binding protein 2; minus strand), LOC105378685 (uncharacterized LOC105378685; minus strand). Cytogenetic location: 1p34.2.
Variant type: single nucleotide variant.
Coding change: c.1978G>A on transcript NM_001378189.1 (MANE Select); coding-DNA position 1978, G replaced by A.
Protein change: p.Gly660Ser; replaces glycine 660 with serine.
Molecular consequence: missense variant.
Genome position (GRCh38, 1-based): chr1:43,215,303, G>A. VCF-style: chr1-43215303-G-A. GRCh37 (hg19) VCF-style: chr1-43680974-G-A.
Other names: c.1978G>A, p.Gly660Ser (NM_001195831.3); short protein forms G660S.
Identifiers: ClinVar variation 3048557 (VCV003048557.3), dbSNP rs78264644, ClinGen allele CA804862.

ClinVar aggregate classification (germline): Likely benign. Review status: criteria provided, single submitter (1 of 4 stars). 2 submissions from 2 submitters: Likely benign (1). 1 of the submissions does not count toward it. Last evaluated 2024-10-28.

Conditions:
CFAP57-related disorder. Also called: CFAP57-related condition.

Allele frequency attached by ClinVar (database versions not stated): gnomAD 0.00023; 1000 Genomes Project 30x 0.00047; TOPMed 0.00029; ExAC 0.00044; 1000 Genomes Project 0.00060; gnomAD exomes 0.00014.
gnomAD v4.1: 243 of 1,551,308 alleles (0.016%); highest among the groups gnomAD compares: East Asian, 0.54%; 1 homozygote.

Submissions (2):

Blueprint Genetics
Classification: Likely benign. Last evaluated: 2024-10-28. Review status: criteria provided, single submitter. Criteria: ACMG Guidelines, 2015. Collection method: clinical testing. Allele origin: germline.

PreventionGenetics, part of Exact Sciences
Classification: Benign for CFAP57-related condition. Last evaluated: 2023-09-27. Review status: no assertion criteria provided. Collection method: clinical testing. Allele origin: germline. Not counted in ClinVar's aggregate classification.
Comment: This variant is classified as benign based on ACMG/AMP sequence variant interpretation guidelines (Richards et al. 2015 PMID: 25741868, with internal and published modifications).